The following is an entry in ClinVar:

ClinVar aggregate classification (germline): Uncertain significance. Review status: criteria provided, multiple submitters, no conflicts (2 of 4 stars). 3 submissions from 3 submitters: Uncertain significance (3). Last evaluated 2026-06-30.

Conditions:
UNC45A-related disorder. Also called: UNC45A-related condition.
Inborn genetic diseases. Identifiers: MedGen C0950123, MeSH D030342.

Allele frequency attached by ClinVar (database versions not stated): ESP Exome Variant Server 0.00015; gnomAD 0.00016; TOPMed 0.00033.
gnomAD v4.1: 280 of 1,612,942 alleles (0.017%); highest among the groups gnomAD compares: Middle Eastern, 0.039%; no homozygotes.

Submissions (3):

PreventionGenetics, part of Exact Sciences
Classification: Uncertain significance for UNC45A-related condition. Last evaluated: 2026-06-30. Review status: criteria provided, single submitter. Criteria: ACMG Guidelines, 2015. Collection method: clinical testing. Allele origin: germline.
Comment: The UNC45A c.1291C>T variant is predicted to result in the amino acid substitution p.Arg431Trp. To our knowledge, this variant has not been reported in the literature. This variant is reported in 0.045% of alleles in individuals of East Asian descent in gnomAD. At this time, the clinical significance of this variant is uncertain due to the absence of conclusive functional and genetic evidence.

Labcorp Genetics (formerly Invitae), Labcorp
Classification: Uncertain significance. Last evaluated: 2022-09-19. Review status: criteria provided, single submitter. Criteria: Invitae Variant Classification Sherloc (09022015). Collection method: clinical testing. Allele origin: germline.
Comment: This sequence change replaces arginine, which is basic and polar, with tryptophan, which is neutral and slightly polar, at codon 431 of the UNC45A protein (p.Arg431Trp). This variant is present in population databases (rs201875431, gnomAD 0.04%). This variant has not been reported in the literature in individuals affected with UNC45A-related conditions. ClinVar contains an entry for this variant (Variation ID: 1001025). Advanced modeling of protein sequence and biophysical properties (such as structural, functional, and spatial information, amino acid conservation, physicochemical variation, residue mobility, and thermodynamic stability) performed at Invitae indicates that this missense variant is not expected to disrupt UNC45A protein function. In summary, the available evidence is currently insufficient to determine the role of this variant in disease. Therefore, it has been classified as a Variant of Uncertain Significance.

Ambry Genetics
Classification: Uncertain significance for Inborn genetic diseases. Last evaluated: 2021-10-26. Review status: criteria provided, single submitter. Criteria: Ambry Variant Classification Scheme 2023. Collection method: clinical testing. Allele origin: germline.

NM_018671.5(UNC45A):c.1291C>T (p.Arg431Trp)

Gene: UNC45A (unc-45 myosin chaperone A; plus strand). Cytogenetic location: 15q26.1.
Variant type: single nucleotide variant.
Coding change: c.1291C>T on transcript NM_018671.5 (MANE Select); coding-DNA position 1291, C replaced by T.
Protein change: p.Arg431Trp; replaces arginine 431 with tryptophan.
Molecular consequence: missense variant.
Genome position (GRCh38, 1-based): chr15:90,946,705, C>T. VCF-style: chr15-90946705-C-T. GRCh37 (hg19) VCF-style: chr15-91489935-C-T.
Other names: c.1291C>T (NM_018671.3); c.1246C>T, p.Arg416Trp (NM_001039675.2, NM_001323621.2); c.1291C>T, p.Arg431Trp (NM_001323619.1); c.856C>T, p.Arg286Trp (NM_001323620.2); short protein forms R286W, R416W, R431W.
Identifiers: ClinVar variation 1001025 (VCV001001025.5), dbSNP rs201875431, ClinGen allele CA7742851.